The following is an entry in ClinVar:

ClinVar aggregate classification (germline): Uncertain significance. Review status: criteria provided, multiple submitters, no conflicts (2 of 4 stars). 2 submissions from 2 submitters: Uncertain significance (2). Last evaluated 2021-08-27.

Conditions:
Developmental and epileptic encephalopathy, 36 (DEE36). Also called: Epileptic encephalopathy, early infantile, 36; ALG13-CDG; Congenital disorder of glycosylation, type Is. Identifiers: Orphanet 324422, MedGen C4317295, MONDO:0010472, OMIM 300884.

gnomAD v4.1: 2 of 1,168,691 alleles (0.00017%); highest among the groups gnomAD compares: Non-Finnish European, 0.00023%; no homozygotes.

Submissions (2):

Labcorp Genetics (formerly Invitae), Labcorp
Classification: Uncertain significance for Developmental and epileptic encephalopathy, 36. Last evaluated: 2021-08-27. Review status: criteria provided, single submitter. Criteria: Invitae Variant Classification Sherloc (09022015). Collection method: clinical testing. Allele origin: germline.
Comment: This sequence change replaces serine with cysteine at codon 297 of the ALG13 protein (p.Ser297Cys). The serine residue is moderately conserved and there is a moderate physicochemical difference between serine and cysteine. This variant is not present in population databases (ExAC no frequency). This variant has not been reported in the literature in individuals affected with ALG13-related conditions. Algorithms developed to predict the effect of missense changes on protein structure and function are either unavailable or do not agree on the potential impact of this missense change (SIFT: "Deleterious"; PolyPhen-2: "Possibly Damaging"; Align-GVGD: "Class C0"). In summary, the available evidence is currently insufficient to determine the role of this variant in disease. Therefore, it has been classified as a Variant of Uncertain Significance.

GeneDx
Classification: Uncertain significance. Last evaluated: 2019-05-28. Review status: criteria provided, single submitter. Criteria: GeneDx Variant Classification Process June 2021. Collection method: clinical testing. Allele origin: germline. Affected: yes.
Comment: Not observed in large population cohorts (Lek et al., 2016); In silico analysis, which includes protein predictors and evolutionary conservation, supports that this variant does not alter protein structure/function; Has not been previously published as pathogenic or benign to our knowledge

NM_001099922.3(ALG13):c.889A>T (p.Ser297Cys)

Gene: ALG13 (ALG13 UDP-N-acetylglucosaminyltransferase subunit; plus strand). Cytogenetic location: Xq23.
Variant type: single nucleotide variant.
Coding change: c.889A>T on transcript NM_001099922.3 (MANE Select); coding-DNA position 889, A replaced by T.
Protein change: p.Ser297Cys; replaces serine 297 with cysteine.
Molecular consequence: missense variant.
Genome position (GRCh38, 1-based): chrX:111,712,487, A>T. VCF-style: chrX-111712487-A-T. GRCh37 (hg19) VCF-style: chrX-110955715-A-T.
Other names: c.577A>T, p.Ser193Cys (NM_001257230.2, NM_001257234.2, NM_001257237.2 and 1 more transcripts); c.655A>T, p.Ser219Cys (NM_001257231.2); c.889A>T, p.Ser297Cys (NM_001324292.2); short protein forms S297C, S219C, S193C.
Identifiers: ClinVar variation 644608 (VCV000644608.8), dbSNP rs372176416, ClinGen allele CA414250352.